The following is an entry in ClinVar:

NM_000124.4(ERCC6):c.2617G>T (p.Val873Leu)

Gene: ERCC6 (ERCC excision repair 6, chromatin remodeling factor; minus strand). Cytogenetic location: 10q11.23.
Variant type: single nucleotide variant.
Coding change: c.2617G>T on transcript NM_000124.4 (MANE Select); coding-DNA position 2617, G replaced by T.
Protein change: p.Val873Leu; replaces valine 873 with leucine.
Molecular consequence: missense variant.
Genome position (GRCh38, 1-based): chr10:49,473,569, C>A on the plus strand (G>T on the coding strand, the complement: ERCC6 is on the minus strand). VCF-style: chr10-49473569-C-A. GRCh37 (hg19) VCF-style: chr10-50681615-C-A.
Other names: c.2617G>T, p.Val873Leu (NM_001346440.2); short protein forms V873L.
Identifiers: ClinVar variation 2193224 (VCV002193224.4), dbSNP rs534095433, ClinGen allele CA376720321.

ClinVar aggregate classification (germline): Uncertain significance (1 of 4 stars; one submission).

gnomAD v4.1: 7 of 1,607,082 alleles (0.00044%); highest among the groups gnomAD compares: Non-Finnish European, 0.00051%; no homozygotes.

Submission:

Labcorp Genetics (formerly Invitae), Labcorp
Classification: Uncertain significance. Last evaluated: 2022-06-23. Review status: criteria provided, single submitter. Criteria: Invitae Variant Classification Sherloc (09022015). Collection method: clinical testing. Allele origin: germline.
Comment: In summary, the available evidence is currently insufficient to determine the role of this variant in disease. Therefore, it has been classified as a Variant of Uncertain Significance. Algorithms developed to predict the effect of sequence changes on RNA splicing suggest that this variant may disrupt the consensus splice site. Advanced modeling of protein sequence and biophysical properties (such as structural, functional, and spatial information, amino acid conservation, physicochemical variation, residue mobility, and thermodynamic stability) performed at Invitae indicates that this missense variant is expected to disrupt ERCC6 protein function. This variant has not been reported in the literature in individuals affected with ERCC6-related conditions. This variant is not present in population databases (gnomAD no frequency). This sequence change replaces valine, which is neutral and non-polar, with leucine, which is neutral and non-polar, at codon 873 of the ERCC6 protein (p.Val873Leu).